The following is an entry in ClinVar:

NM_001199138.2(NLRC4):c.2876G>A (p.Gly959Asp)

Gene: NLRC4 (NLR family CARD domain containing 4; minus strand). Cytogenetic location: 2p22.3.
Variant type: single nucleotide variant.
Coding change: c.2876G>A on transcript NM_001199138.2 (MANE Select); coding-DNA position 2876, G replaced by A.
Protein change: p.Gly959Asp; replaces glycine 959 with aspartic acid.
Molecular consequence: missense variant.
Genome position (GRCh38, 1-based): chr2:32,224,672, C>T on the plus strand (G>A on the coding strand, the complement: NLRC4 is on the minus strand). VCF-style: chr2-32224672-C-T. GRCh37 (hg19) VCF-style: chr2-32449741-C-T.
Other names: c.2876G>A, p.Gly959Asp (NM_001199139.2, NM_021209.5); c.881G>A, p.Gly294Asp (NM_001302504.2); short protein forms G294D, G959D.
Identifiers: ClinVar variation 2038001 (VCV002038001.4), dbSNP rs147026757, ClinGen allele CA346519422.
Genomic context (GRCh38, chr2:32,224,672, plus strand): 5'-GGTAGAAATTCTTTAGTACTAAAGTCAAAAAACACTAATTGCTTAAGATTCTCAAATACA[C>T]CCATGAAGGCAAGCCATCCATCACTGCTCACACGATTTCCCGCCAAATTCAACTGCTGGA-3'
Protein context (NP_001186067.1, residues 949-969): VSSDGWLAFM[Gly959Asp]VFENLKQLVF

ClinVar aggregate classification (germline): Uncertain significance (1 of 4 stars; one submission).

Conditions:
Periodic fever-infantile enterocolitis-autoinflammatory syndrome. Also called: Autoinflammation with infantile enterocolitis. Identifiers: Orphanet 436166, MedGen C4015067, MONDO:0014472, OMIM 616050.
Familial cold autoinflammatory syndrome 4 (FCAS4). Identifiers: Orphanet 47045, Orphanet 576349, MedGen C4015276, MONDO:0014498, OMIM 616115.

Submission:

Labcorp Genetics (formerly Invitae), Labcorp
Classification: Uncertain significance for Periodic fever-infantile enterocolitis-autoinflammatory syndrome; Familial cold autoinflammatory syndrome 4. Last evaluated: 2022-02-23. Review status: criteria provided, single submitter. Criteria: Invitae Variant Classification Sherloc (09022015). Collection method: clinical testing. Allele origin: germline.
Comment: In summary, the available evidence is currently insufficient to determine the role of this variant in disease. Therefore, it has been classified as a Variant of Uncertain Significance. Algorithms developed to predict the effect of missense changes on protein structure and function (SIFT, PolyPhen-2, Align-GVGD) all suggest that this variant is likely to be tolerated. This sequence change replaces glycine, which is neutral and non-polar, with aspartic acid, which is acidic and polar, at codon 959 of the NLRC4 protein (p.Gly959Asp). This variant is not present in population databases (gnomAD no frequency). This variant has not been reported in the literature in individuals affected with NLRC4-related conditions.